The following is an entry in ClinVar:

NM_001384732.1(CPLANE1):c.5422-3T>C

Gene: CPLANE1 (ciliogenesis and planar polarity effector complex subunit 1; minus strand). Cytogenetic location: 5p13.2.
Variant type: single nucleotide variant.
Coding change: c.5422-3T>C on transcript NM_001384732.1 (MANE Select); 3 bases into the intron before coding-DNA position 5422, T replaced by C.
Molecular consequence: intron variant.
Genome position (GRCh38, 1-based): chr5:37,181,008, A>G on the plus strand (T>C on the coding strand, the complement: CPLANE1 is on the minus strand). VCF-style: chr5-37181008-A-G. GRCh37 (hg19) VCF-style: chr5-37181110-A-G.
Other names: c.5422-3T>C (NM_023073.4).
Identifiers: ClinVar variation 1414772 (VCV001414772.7), dbSNP rs1440271642, ClinGen allele CA559024850.

ClinVar aggregate classification (germline): Conflicting classifications of pathogenicity. Review status: criteria provided, conflicting classifications (1 of 4 stars). 2 submissions from 2 submitters: Uncertain significance (1); Likely benign (1). Last evaluated 2023-11-09.

Allele frequency attached by ClinVar (database versions not stated): TOPMed below 0.00001; gnomAD 0.00001; gnomAD exomes 0.00001 and 0.00003.
gnomAD v4.1: 40 of 1,611,966 alleles (0.0025%); highest among the groups gnomAD compares: Non-Finnish European, 0.0033%; no homozygotes.

Submissions (2):

Blueprint Genetics
Classification: Likely benign. Last evaluated: 2023-11-09. Review status: criteria provided, single submitter. Criteria: ACMG Guidelines, 2015. Collection method: clinical testing. Allele origin: germline.

Labcorp Genetics (formerly Invitae), Labcorp
Classification: Uncertain significance. Last evaluated: 2022-10-24. Review status: criteria provided, single submitter. Criteria: Invitae Variant Classification Sherloc (09022015). Collection method: clinical testing. Allele origin: germline.
Comment: This variant has not been reported in the literature in individuals affected with CPLANE1-related conditions. This variant is present in population databases (no rsID available, gnomAD 0.007%). This sequence change falls in intron 26 of the CPLANE1 gene. It does not directly change the encoded amino acid sequence of the CPLANE1 protein. It affects a nucleotide within the consensus splice site. ClinVar contains an entry for this variant (Variation ID: 1414772). In summary, the available evidence is currently insufficient to determine the role of this variant in disease. Therefore, it has been classified as a Variant of Uncertain Significance. Variants that disrupt the consensus splice site are a relatively common cause of aberrant splicing (PMID: 17576681, 9536098). Algorithms developed to predict the effect of sequence changes on RNA splicing suggest that this variant is not likely to affect RNA splicing.

Literature cited by the submitters: PubMed 17576681 (cited by Labcorp Genetics (formerly Invitae), Labcorp); PubMed 9536098 (cited by Labcorp Genetics (formerly Invitae), Labcorp).